The following is an entry in ClinVar:

NM_000489.6(ATRX):c.5687A>C (p.Lys1896Thr)

Gene: ATRX (ATRX chromatin remodeler; minus strand). Cytogenetic location: Xq21.1.
Variant type: single nucleotide variant.
Coding change: c.5687A>C on transcript NM_000489.6 (MANE Select); coding-DNA position 5687, A replaced by C.
Protein change: p.Lys1896Thr; replaces lysine 1896 with threonine.
Molecular consequence: missense variant.
Genome position (GRCh38, 1-based): chrX:77,600,444, T>G on the plus strand (A>C on the coding strand, the complement: ATRX is on the minus strand). VCF-style: chrX-77600444-T-G. GRCh37 (hg19) VCF-style: chrX-76855913-T-G.
Other names: c.5573A>C, p.Lys1858Thr (NM_138270.5); short protein forms K1858T, K1896T.
Identifiers: ClinVar variation 4531354 (VCV004531354.1).

ClinVar aggregate classification (germline): Uncertain significance (1 of 4 stars; one submission).

Conditions:
ATR-X-related syndrome. Identifiers: MedGen CN257940, MONDO:0016980.

Submission:

Victorian Clinical Genetics Services, Murdoch Childrens Research Institute
Classification: Uncertain significance for ATR-X-related syndrome. Last evaluated: 2025-04-10. Review status: criteria provided, single submitter. Criteria: ACMG Guidelines, 2015. Collection method: clinical testing. Allele origin: germline. Affected: yes.
Comment: This variant is classified as VUS-3A. Evidence in support of pathogenic classification: Variant is absent from gnomAD (v2, v3 and v4); Missense variant in a region that is highly intolerant to missense variation (high constraint region in DECIPHER); Missense variant predicted to be damaging by in silico tool(s) or highly conserved with a major amino acid change. Additional information: Variant is predicted to result in a missense amino acid change from lysine to threonine; This variant is hemizygous; This gene is associated with both X-linked recessive and dominant disease. Carrier females may be asymptomatic, or affected with alpha-thalassaemia syndrome (OMIM); This variant has no previous evidence of pathogenicity; No published segregation evidence has been identified for this variant; No published functional evidence has been identified for this variant; Another missense variant(s) comparable to the one identified in this case has inconclusive previous evidence for pathogenicity. p.(Lys1896Glu) has been classified as a VUS by a clinical laboratory in ClinVar; Loss of function is a known mechanism of disease in this gene and is associated with ATRX-related conditions; Variants in this gene are known to have variable expressivity. Variable severity and phenotypes have been observed among individuals with the same variant (PMIDs: 24805811, 23820649, 21029860).

Literature cited by the submitters: PubMed 21029860; PubMed 24805811; PubMed 23820649.